The following is an entry in ClinVar:

NM_001267550.2(TTN):c.59319G>A (p.Glu19773=)

Genes: TTN (titin; minus strand), TTN-AS1 (TTN antisense RNA 1; plus strand), LOC126806424 (CDK7 strongly-dependent group 2 enhancer GRCh37_chr2:179456337-179457536; plus strand). Cytogenetic location: 2q31.2.
Variant type: single nucleotide variant.
Coding change: c.59319G>A on transcript NM_001267550.2 (MANE Select); coding-DNA position 59319, G replaced by A.
Protein change: p.Glu19773=; no amino-acid change (glutamic acid 19773 retained).
Molecular consequence: synonymous variant.
Genome position (GRCh38, 1-based): chr2:178,592,800, C>T on the plus strand (G>A on the coding strand, the complement: TTN is on the minus strand). VCF-style: chr2-178592800-C-T. GRCh37 (hg19) VCF-style: chr2-179457527-C-T.
Other names: p.E18132E:GAG>GAA; p.Glu18132=; c.54396G>A, p.Glu18132= (NM_001256850.1); c.51615G>A, p.Glu17205= (NM_133378.4); c.32124G>A, p.Glu10708= (NM_003319.4); c.32499G>A, p.Glu10833= (NM_133432.3); c.32700G>A, p.Glu10900= (NM_133437.4).
Identifiers: ClinVar variation 47150 (VCV000047150.66), dbSNP rs367622770, ClinGen allele CA283510.
Genomic context (GRCh38, chr2:178,592,800, plus strand): 5'-TTCCTTGCAAACACAAGTGAGAGCATTTTACTCACCAAGCCTGTCTTTTACTAGGACTGG[C>T]TCCGGAACATGAGCTGGATCTGATTCACCAGCTGCATTGACTGCTAACACTCTAAACTTA-3'
Protein context (NP_001254479.2, residues 19763-19783): AGESDPAHVP[Glu19773=]PVLVKDRLEP

ClinVar aggregate classification (germline): Conflicting classifications of pathogenicity. Review status: criteria provided, conflicting classifications (1 of 4 stars). 20 submissions from 16 submitters: Uncertain significance (3); Benign (4); Likely benign (11). 2 of the submissions do not count toward it. Last evaluated 2026-03-27.

Conditions:
Cardiovascular phenotype. Identifiers: MedGen CN230736.
Dilated cardiomyopathy 1G (CMD1G). Identifiers: Orphanet 154, MedGen C1858763, MONDO:0011400, OMIM 604145.
Autosomal recessive limb-girdle muscular dystrophy type 2J (LGMDR10). Also called: Limb-girdle muscular dystrophy, type 2J; MUSCULAR DYSTROPHY, LIMB-GIRDLE, AUTOSOMAL RECESSIVE 10. Identifiers: Orphanet 140922, MedGen C1837342, MONDO:0012127, OMIM 608807.
Cardiomyopathy (CMYO). Also called: Cardiomyopathies. Identifiers: Orphanet 167848, MedGen C0878544, MONDO:0004994, HP:0001638. Inheritance: Various modes of inheritance.
Early-onset myopathy with fatal cardiomyopathy (CMYO5). Also called: Salih Myopathy; CONGENITAL MYOPATHY 5 WITH CARDIOMYOPATHY. Identifiers: Orphanet 289377, MedGen C2673677, MONDO:0012714, OMIM 611705. Disease mechanism: loss of function.
Myopathy, myofibrillar, 9, with early respiratory failure (MFM9). Also called: Hereditary myopathy with early respiratory failure; Myopathy, distal, with early respiratory failure, autosomal dominant; EDSTROM MYOPATHY; MYOPATHY, PROXIMAL, WITH EARLY RESPIRATORY MUSCLE INVOLVEMENT. Identifiers: Orphanet 178464, Orphanet 34521, MedGen C1863599, MONDO:0011362, OMIM 603689.
Tibial muscular dystrophy (TMD). Also called: Udd Distal Myopathy – Tibial Muscular Dystrophy; Tibial muscular dystrophy, tardive; UDD MYOPATHY. Identifiers: Orphanet 609, MedGen C1838244, MONDO:0010870, OMIM 600334.

Allele frequency attached by ClinVar (database versions not stated): 1000 Genomes Project 0.00020; ExAC 0.00032; TOPMed 0.00037; gnomAD 0.00039; gnomAD exomes 0.00042 and 0.00068; 1000 Genomes Project 30x 0.00047; ESP Exome Variant Server 0.00083.
gnomAD v4.1: 1,041 of 1,613,500 alleles (0.065%); highest among the groups gnomAD compares: Non-Finnish European, 0.08%; 1 homozygote.

Submissions (20):

Molecular Diagnostic Laboratory for Inherited Cardiovascular Disease, Montreal Heart Institute
Classification: Likely benign. Last evaluated: 2026-03-27. Review status: criteria provided, single submitter. Criteria: ACMG Guidelines, 2015. Collection method: clinical testing. Allele origin: germline. Affected: no.

Labcorp Genetics (formerly Invitae), Labcorp
Classification: Likely benign for Dilated cardiomyopathy 1G; Autosomal recessive limb-girdle muscular dystrophy type 2J. Last evaluated: 2026-02-03. Review status: criteria provided, single submitter. Criteria: Invitae Variant Classification Sherloc (09022015). Collection method: clinical testing. Allele origin: germline.

CeGaT Center for Human Genetics Tuebingen
Classification: Likely benign. Last evaluated: 2025-09-01. Review status: criteria provided, single submitter. Criteria: CeGaT Center For Human Genetics Tuebingen Variant Classification Criteria Version 2. Collection method: clinical testing. Allele origin: germline. Affected: yes. Observed: 7 variant alleles.
Comment: TTN: BP4, BP7

Mayo Clinic Laboratories, Mayo Clinic
Classification: Likely benign. Last evaluated: 2025-04-29. Review status: criteria provided, single submitter. Criteria: ACMG Guidelines, 2015. Collection method: clinical testing. Allele origin: germline. Observed: 1 variant allele.
Comment: BS1, BP4, BP7

Blueprint Genetics
Classification: Likely benign. Last evaluated: 2024-11-20. Review status: criteria provided, single submitter. Criteria: ACMG Guidelines, 2015. Collection method: clinical testing. Allele origin: germline.

Women's Health and Genetics/Laboratory Corporation of America, LabCorp
Classification: Benign. Last evaluated: 2024-11-04. Review status: criteria provided, single submitter. Criteria: LabCorp Variant Classification Summary - May 2015. Collection method: clinical testing. Allele origin: germline.

CHEO Genetics Diagnostic Laboratory, Children's Hospital of Eastern Ontario
Classification: Likely benign for Cardiomyopathy. Last evaluated: 2020-11-12. Review status: criteria provided, single submitter. Criteria: ACMG Guidelines, 2015. Collection method: clinical testing. Allele origin: germline.

ARUP Laboratories, Molecular Genetics and Genomics, ARUP Laboratories
Classification: Likely benign. Last evaluated: 2019-10-05. Review status: criteria provided, single submitter. Criteria: ARUP Molecular Germline Variant Investigation Process. Collection method: clinical testing. Allele origin: germline.

Illumina Laboratory Services, Illumina
Classification: Uncertain significance for Early-onset myopathy with fatal cardiomyopathy. Last evaluated: 2018-01-13. Review status: criteria provided, single submitter. Criteria: ICSL Variant Classification Criteria 13 December 2019. Collection method: clinical testing. Allele origin: germline.

Illumina Laboratory Services, Illumina
Classification: Uncertain significance for Autosomal recessive limb-girdle muscular dystrophy type 2J. Last evaluated: 2018-01-13. Review status: criteria provided, single submitter. Criteria: ICSL Variant Classification Criteria 13 December 2019. Collection method: clinical testing. Allele origin: germline.

Illumina Laboratory Services, Illumina
Classification: Uncertain significance for Dilated cardiomyopathy 1G. Last evaluated: 2018-01-13. Review status: criteria provided, single submitter. Criteria: ICSL Variant Classification Criteria 13 December 2019. Collection method: clinical testing. Allele origin: germline.

Illumina Laboratory Services, Illumina
Classification: Benign for Tibial muscular dystrophy. Last evaluated: 2018-01-13. Review status: criteria provided, single submitter. Criteria: ICSL Variant Classification Criteria 13 December 2019. Collection method: clinical testing. Allele origin: germline.
Comment: This variant was observed in the ICSL laboratory as part of a predisposition screen in an ostensibly healthy population. It had not been previously curated by ICSL or reported in the Human Gene Mutation Database (HGMD: prior to June 1st, 2018), and was therefore a candidate for classification through an automated scoring system. Utilizing variant allele frequency, disease prevalence and penetrance estimates, and inheritance mode, an automated score was calculated to assess if this variant is too frequent to cause the disease. Based on the score and internal cut-off values, a variant classified as benign is not then subjected to further curation. The score for this variant resulted in a classification of benign for this disease.

Illumina Laboratory Services, Illumina
Classification: Benign for Myopathy, myofibrillar, 9, with early respiratory failure. Last evaluated: 2018-01-13. Review status: criteria provided, single submitter. Criteria: ICSL Variant Classification Criteria 13 December 2019. Collection method: clinical testing. Allele origin: germline.
Comment: the same text as in the submission from Illumina Laboratory Services, Illumina above.

Eurofins Ntd Llc (ga)
Classification: Likely benign. Last evaluated: 2016-11-09. Review status: criteria provided, single submitter. Criteria: EGL Classification Definitions 2015. Collection method: clinical testing. Allele origin: germline. Observed: 5 variant alleles, 5 heterozygotes.

Laboratory for Molecular Medicine, Mass General Brigham Personalized Medicine
Classification: Likely benign. Last evaluated: 2016-01-22. Review status: criteria provided, single submitter. Criteria: LMM Criteria. Collection method: clinical testing. Allele origin: germline. Observed: 4 variant alleles.
Comment: p.Glu17205Glu in exon 249 of TTN: This variant is not expected to have clinical significance because it does not alter an amino acid residue and is not located within the splice consensus sequence. It has been identified in 10/11502 Latino chromosomes and 25/66650 European chromosomes Exome Aggregation Consortium (ExAC; dbSNP rs367622770).

Genetic Services Laboratory, University of Chicago
Classification: Likely benign. Last evaluated: 2015-11-18. Review status: criteria provided, single submitter. Criteria: ACMG Guidelines, 2015. Collection method: clinical testing. Allele origin: germline. Affected: no.

GeneDx
Classification: Benign. Last evaluated: 2014-02-24. Review status: criteria provided, single submitter. Criteria: GeneDx Variant Classification (06012015). Collection method: clinical testing. Allele origin: germline. Affected: yes.
Comment: This variant is considered likely benign or benign based on one or more of the following criteria: it is a conservative change, it occurs at a poorly conserved position in the protein, it is predicted to be benign by multiple in silico algorithms, and/or has population frequency not consistent with disease.

Ambry Genetics
Classification: Likely benign for Cardiovascular phenotype. Last evaluated: 2013-07-26. Review status: criteria provided, single submitter. Criteria: Ambry Autosomal Dominant and X-Linked criteria (10/2015). Collection method: clinical testing. Allele origin: germline. Observed: 1 variant allele.

Clinical Genetics, Academic Medical Center
Classification: Benign. Review status: no assertion criteria provided. Collection method: clinical testing. Allele origin: germline. Affected: yes. Study: VKGL Data-share Consensus. Not counted in ClinVar's aggregate classification.

Joint Genome Diagnostic Labs from Nijmegen and Maastricht, Radboudumc and MUMC+
Classification: Likely benign. Review status: no assertion criteria provided. Collection method: clinical testing. Allele origin: germline. Affected: yes. Study: VKGL Data-share Consensus. Not counted in ClinVar's aggregate classification.